The following is an entry in ClinVar:

ClinVar aggregate classification (germline): Uncertain significance (1 of 4 stars; one submission).

Conditions:
CACNA1C-related disorder. Also called: CACNA1C-related condition; CACNA1C-related disorders. Identifiers: MedGen CN381092, MONDO:0700321.

gnomAD v4.1: 4 of 1,563,752 alleles (0.00026%); highest among the groups gnomAD compares: Non-Finnish European, 0.00035%; no homozygotes.

Submission:

PreventionGenetics, part of Exact Sciences
Classification: Uncertain significance for CACNA1C-related condition. Last evaluated: 2026-09-12. Review status: criteria provided, single submitter. Criteria: ACMG Guidelines, 2015. Collection method: clinical testing. Allele origin: germline.
Comment: The CACNA1C c.5618A>T variant is predicted to result in the amino acid substitution p.His1873Leu. To our knowledge, this variant has not been reported in the literature or in a large population database (gnomAD), indicating this variant is rare. At this time, the clinical significance of this variant is uncertain due to the absence of conclusive functional and genetic evidence.

NM_000719.7(CACNA1C):c.5444+773A>T

Genes: CACNA1C (calcium voltage-gated channel subunit alpha1 C; plus strand), CACNA1C-AS1 (CACNA1C antisense RNA 1; minus strand). Cytogenetic location: 12p13.33.
Variant type: single nucleotide variant.
Coding change: c.5444+773A>T on transcript NM_000719.7 (MANE Select); 773 bases into the intron after coding-DNA position 5444, A replaced by T.
Molecular consequence: intron variant. On other transcripts: missense variant (1).
Genome position (GRCh38, 1-based): chr12:2,680,569, A>T. VCF-style: chr12-2680569-A-T. GRCh37 (hg19) VCF-style: chr12-2789735-A-T.
Other names: c.5618A>T, p.His1873Leu (NM_001167625.2); c.5444+773A>T (NM_001167624.3, NM_001167623.2, NM_001129840.2 and 4 more transcripts); c.5588+773A>T (NM_199460.4, NM_001129827.2); c.5504+773A>T (NM_001129832.2); c.5528+773A>T (NM_001129831.2); c.5501+773A>T (NM_001129833.2, NM_001129834.2, NM_001129835.2); c.5567+773A>T (NM_001129829.2); c.5468+773A>T (NM_001129837.2, NM_001129838.2); and 4 more; short protein forms H1873L.
Identifiers: ClinVar variation 4985460 (VCV004985460.1).